The following is an entry in ClinVar:

NM_001009944.3(PKD1):c.8310C>T (p.Asn2770=)

Gene: PKD1 (polycystin 1, transient receptor potential channel interacting; minus strand). Cytogenetic location: 16p13.3.
Variant type: single nucleotide variant.
Coding change: c.8310C>T on transcript NM_001009944.3 (MANE Select); coding-DNA position 8310, C replaced by T.
Protein change: p.Asn2770=; no amino-acid change (asparagine 2770 retained).
Molecular consequence: synonymous variant.
Genome position (GRCh38, 1-based): chr16:2,103,747, G>A on the plus strand (C>T on the coding strand, the complement: PKD1 is on the minus strand). VCF-style: chr16-2103747-G-A. GRCh37 (hg19) VCF-style: chr16-2153748-G-A.
Other names: c.8310C>T, p.Asn2770= (NM_000296.4); c.8310C>T (NM_000296.3).
Identifiers: ClinVar variation 1707233 (VCV001707233.4), dbSNP rs149828605, ClinGen allele CA7830566.

ClinVar aggregate classification (germline): Benign/Likely benign. Review status: criteria provided, multiple submitters, no conflicts (2 of 4 stars). 3 submissions from 3 submitters: Benign (1); Likely benign (2). Last evaluated 2026-03-21.

Allele frequency attached by ClinVar (database versions not stated): gnomAD exomes 0.00002; ExAC 0.00005; ESP Exome Variant Server 0.00016; gnomAD 0.00019; TOPMed 0.00026.
gnomAD v4.1: 63 of 1,610,036 alleles (0.0039%); highest among the groups gnomAD compares: African/African-American, 0.071%; no homozygotes.

Submissions (3):

Women's Health and Genetics/Laboratory Corporation of America, LabCorp
Classification: Likely benign. Last evaluated: 2026-03-21. Review status: criteria provided, single submitter. Criteria: LabCorp Variant Classification Summary - May 2015. Collection method: clinical testing. Allele origin: germline.

Athena Diagnostics
Classification: Benign. Last evaluated: 2025-10-27. Review status: criteria provided, single submitter. Criteria: Athena Diagnostics Criteria. Collection method: clinical testing. Allele origin: unknown.
Comment: The frequency of this variant in the general population is higher than would generally be expected for pathogenic variants in this gene. Computational tools yielded predictions that this variant is unlikely to have an effect on normal RNA splicing. This nucleotide position exhibits low evolutionary conservation.

GeneDx
Classification: Likely benign. Last evaluated: 2020-05-20. Review status: criteria provided, single submitter. Criteria: GeneDx Variant Classification Process June 2021. Collection method: clinical testing. Allele origin: germline. Affected: yes.
Comment: See Variant Classification Assertion Criteria.